The following is an entry in ClinVar:

NM_000057.4(BLM):c.1651T>G (p.Tyr551Asp)

Gene: BLM (BLM RecQ like helicase; plus strand). Cytogenetic location: 15q26.1.
Variant type: single nucleotide variant.
Coding change: c.1651T>G on transcript NM_000057.4 (MANE Select); coding-DNA position 1651, T replaced by G.
Protein change: p.Tyr551Asp; replaces tyrosine 551 with aspartic acid.
Molecular consequence: missense variant.
Genome position (GRCh38, 1-based): chr15:90,761,024, T>G. VCF-style: chr15-90761024-T-G. GRCh37 (hg19) VCF-style: chr15-91304254-T-G.
Other names: c.1651T>G, p.Tyr551Asp (NM_001287246.2, NM_001287247.2); c.526T>G, p.Tyr176Asp (NM_001287248.2); short protein forms Y551D, Y176D.
Identifiers: ClinVar variation 3824471 (VCV003824471.1).

ClinVar aggregate classification (germline): Uncertain significance (1 of 4 stars; one submission).

Conditions:
Hereditary cancer-predisposing syndrome. Also called: Hereditary neoplastic syndrome; Neoplastic Syndromes, Hereditary; Tumor predisposition; Hereditary Cancer Syndrome. Identifiers: Orphanet 140162, MedGen C0027672, MeSH D009386, MONDO:0015356.

Submission:

Ambry Genetics
Classification: Uncertain significance for Hereditary cancer-predisposing syndrome. Last evaluated: 2025-02-16. Review status: criteria provided, single submitter. Criteria: Ambry Variant Classification Scheme 2023. Collection method: clinical testing. Allele origin: germline.
Comment: The p.Y551D variant (also known as c.1651T>G), located in coding exon 6 of the BLM gene, results from a T to G substitution at nucleotide position 1651. The tyrosine at codon 551 is replaced by aspartic acid, an amino acid with highly dissimilar properties. This amino acid position is conserved. In addition, this alteration is predicted to be tolerated by in silico analysis. Based on the available evidence, the clinical significance of this variant remains unclear.